The following is an entry in ClinVar:

ClinVar aggregate classification (germline): Uncertain significance (1 of 4 stars; one submission).

Conditions:
Hypertrophic cardiomyopathy. Also called: HYPERTROPHIC MYOCARDIOPATHY. Identifiers: Orphanet 217569, MedGen C0007194, MeSH D002312, MONDO:0005045, HP:0001639.

Submission:

Labcorp Genetics (formerly Invitae), Labcorp
Classification: Uncertain significance for Hypertrophic cardiomyopathy. Last evaluated: 2022-07-06. Review status: criteria provided, single submitter. Criteria: Invitae Variant Classification Sherloc (09022015). Collection method: clinical testing. Allele origin: germline.
Comment: In summary, the available evidence is currently insufficient to determine the role of this variant in disease. Therefore, it has been classified as a Variant of Uncertain Significance. This variant disrupts a region of the MYBPC3 protein in which other variant(s) (p.Ser928Leu) have been observed in individuals with MYBPC3-related conditions (PMID: 33782553; Invitae). This suggests that this is a clinically significant region of the protein, and that variants that disrupt it are likely to be disease-causing. Experimental studies and prediction algorithms are not available or were not evaluated, and the functional significance of this variant is currently unknown. A similar copy number variant has been observed in individual(s) with hypertrophic cardiomyopathy (PMID: 28771489). This variant is a gross deletion of the genomic region encompassing exon(s) 27 of the MYBPC3 gene. This variant would be expected to be in-frame, preserving the integrity of the reading frame.

Literature cited by the submitters: PubMed 33782553; PubMed 28771489.

NC_000011.9:g.(?_47356583)_(47356770_?)del

Gene: MYBPC3 (myosin binding protein C3; minus strand). Cytogenetic location: 11p11.2.
Variant type: Deletion.
Identifiers: ClinVar variation 1002964 (VCV001002964.8).